The following is an entry in ClinVar:

NM_139076.3(ABRAXAS1):c.7G>T (p.Gly3Trp)

Genes: ABRAXAS1 (abraxas 1, BRCA1 A complex subunit; minus strand), LOC129992784 (ATAC-STARR-seq lymphoblastoid silent region 15542; plus strand). Cytogenetic location: 4q21.23.
Variant type: single nucleotide variant.
Coding change: c.7G>T on transcript NM_139076.3 (MANE Select); coding-DNA position 7, G replaced by T.
Protein change: p.Gly3Trp; replaces glycine 3 with tryptophan.
Molecular consequence: missense variant. On other transcripts: 5 prime UTR variant (1).
Genome position (GRCh38, 1-based): chr4:83,485,066, C>A on the plus strand (G>T on the coding strand, the complement: ABRAXAS1 is on the minus strand). VCF-style: chr4-83485066-C-A. GRCh37 (hg19) VCF-style: chr4-84406219-C-A.
Other names: c.-254G>T (NM_001345962.2); short protein forms G3W.
Identifiers: ClinVar variation 496542 (VCV000496542.12), dbSNP rs370520589, ClinGen allele CA2990695.

ClinVar aggregate classification (germline): Uncertain significance. Review status: criteria provided, multiple submitters, no conflicts (2 of 4 stars). 3 submissions from 3 submitters: Uncertain significance (3). Last evaluated 2024-12-19.

Allele frequency attached by ClinVar (database versions not stated): TOPMed 0.00004.

Submissions (3):

Labcorp Genetics (formerly Invitae), Labcorp
Classification: Uncertain significance. Last evaluated: 2024-12-19. Review status: criteria provided, single submitter. Criteria: Invitae Variant Classification Sherloc (09022015). Collection method: clinical testing. Allele origin: germline.
Comment: This sequence change replaces glycine, which is neutral and non-polar, with tryptophan, which is neutral and slightly polar, at codon 3 of the ABRAXAS1 protein (p.Gly3Trp). This variant is present in population databases (rs370520589, gnomAD 0.03%). This variant has not been reported in the literature in individuals affected with ABRAXAS1-related conditions. ClinVar contains an entry for this variant (Variation ID: 496542). An algorithm developed to predict the effect of missense changes on protein structure and function (PolyPhen-2) suggests that this variant is likely to be disruptive. In summary, the available evidence is currently insufficient to determine the role of this variant in disease. Therefore, it has been classified as a Variant of Uncertain Significance.

Ambry Genetics
Classification: Uncertain significance. Last evaluated: 2024-11-13. Review status: criteria provided, single submitter. Criteria: Ambry Variant Classification Scheme 2023. Collection method: clinical testing. Allele origin: germline.

Women's Health and Genetics/Laboratory Corporation of America, LabCorp
Classification: Uncertain significance. Last evaluated: 2023-08-28. Review status: criteria provided, single submitter. Criteria: LabCorp Variant Classification Summary - May 2015. Collection method: clinical testing. Allele origin: germline.
Comment: Variant summary: FAM175A c.7G>T (p.Gly3Trp) results in a non-conservative amino acid change in the encoded protein sequence. Four of five in-silico tools predict a damaging effect of the variant on protein function. The variant allele was found at a frequency of 4e-05 in 225418 control chromosomes. The available data on variant occurrences in the general population are insufficient to allow any conclusion about variant significance. c.7G>T has been reported in the literature in individuals affected with Sarcoma, who also carried other variants (Ballinger_2016). This report does not provide unequivocal conclusions about association of the variant with Hereditary Breast And Ovarian Cancer Syndrome. To our knowledge, no experimental evidence demonstrating an impact on protein function has been reported. The following publication have been ascertained in the context of this evaluation (PMID: 27498913). One submitter has cited clinical-significance assessments for this variant to ClinVar after 2014 and has classified the variant as uncertain significance. Based on the evidence outlined above, the variant was classified as uncertain significance.

Literature cited by the submitters: PubMed 27498913 (cited by Women's Health and Genetics/Laboratory Corporation of America, LabCorp).